The following is an entry in ClinVar:

NM_017780.4(CHD7):c.2097-1G>T

Gene: CHD7 (chromodomain helicase DNA binding protein 7; plus strand). Cytogenetic location: 8q12.2.
Variant type: single nucleotide variant.
Coding change: c.2097-1G>T on transcript NM_017780.4 (MANE Select); the canonical splice acceptor site of the intron before coding-DNA position 2097, G replaced by T.
Molecular consequence: splice acceptor variant. On other transcripts: intron variant (1).
Genome position (GRCh38, 1-based): chr8:60,794,985, G>T. VCF-style: chr8-60794985-G-T. GRCh37 (hg19) VCF-style: chr8-61707544-G-T.
Other names: c.1716+13935G>T (NM_001316690.1).
Identifiers: ClinVar variation 5010268 (VCV005010268.1).

ClinVar aggregate classification (germline): Pathogenic (1 of 4 stars; one submission).

Conditions:
Fetal anomalies with a likely genetic cause.

Submission:

Genetics Laboratory, Great Ormond Street Hospital NHS Foundation Trust, North Thames Genomic Laboratory Hub
Classification: Pathogenic for Fetal anomalies with a likely genetic cause. Last evaluated: 2026-08-05. Review status: criteria provided, single submitter. Criteria: ACGS Best Practice Guidelines for Variant Classification in Rare Disease 2024 v1.2. Collection method: clinical testing. Allele origin: germline. Affected: yes.
Comment: PM2_moderate, PVS1_very-strong